The following is an entry in ClinVar:

NM_001330260.2(SCN8A):c.1630A>G (p.Asn544Asp)

Gene: SCN8A (sodium voltage-gated channel alpha subunit 8; plus strand). Cytogenetic location: 12q13.13.
Variant type: single nucleotide variant.
Coding change: c.1630A>G on transcript NM_001330260.2 (MANE Select); coding-DNA position 1630, A replaced by G.
Protein change: p.Asn544Asp; replaces asparagine 544 with aspartic acid.
Molecular consequence: missense variant.
Genome position (GRCh38, 1-based): chr12:51,706,710, A>G. VCF-style: chr12-51706710-A-G. GRCh37 (hg19) VCF-style: chr12-52100494-A-G.
Other names: c.1630A>G, p.Asn544Asp (NM_001177984.3, NM_001369788.1, NM_014191.4); short protein forms N544D.
Identifiers: ClinVar variation 4085396 (VCV004085396.8).

ClinVar aggregate classification (germline): Uncertain significance (1 of 4 stars; one submission).

Submission:

CeGaT Center for Human Genetics Tuebingen
Classification: Uncertain significance. Last evaluated: 2025-08-01. Review status: criteria provided, single submitter. Criteria: CeGaT Center For Human Genetics Tuebingen Variant Classification Criteria Version 2. Collection method: clinical testing. Allele origin: germline. Affected: yes. Observed: 1 variant allele.
Comment: SCN8A: PM2